The following is an entry in ClinVar:

NM_006648.4(WNK2):c.5333C>T (p.Ala1778Val)

Gene: WNK2 (WNK lysine deficient protein kinase 2; plus strand). Cytogenetic location: 9q22.31.
Variant type: single nucleotide variant.
Coding change: c.5333C>T on transcript NM_006648.4 (MANE Select); coding-DNA position 5333, C replaced by T.
Protein change: p.Ala1778Val; replaces alanine 1778 with valine.
Molecular consequence: missense variant.
Genome position (GRCh38, 1-based): chr9:93,292,798, C>T. VCF-style: chr9-93292798-C-T. GRCh37 (hg19) VCF-style: chr9-96055080-C-T.
Other names: c.5444C>T, p.Ala1815Val (NM_001282394.3); short protein forms A1778V, A1815V.
Identifiers: ClinVar variation 3817161 (VCV003817161.1).
Genomic context (GRCh38, chr9:93,292,798, plus strand): 5'-CCCTGGCCTCCCCCCACAGCCTGAGATACTCTGCCCCACCCGACGTCTACCTGGACGAGG[C>T]CCCCTCCAGCCCCGACGTGAAGCTGGCAGTGCGGCGGGCGCAGACGGCCTCCTCCATCGA-3'
Protein context (NP_006639.3, residues 1768-1788): SAPPDVYLDE[Ala1778Val]PSSPDVKLAV

ClinVar aggregate classification (germline): Uncertain significance (1 of 4 stars; one submission).

Submission:

Ambry Genetics
Classification: Uncertain significance. Last evaluated: 2025-02-26. Review status: criteria provided, single submitter. Criteria: Ambry Variant Classification Scheme 2023. Collection method: clinical testing. Allele origin: germline.
Comment: The p.A1778V variant (also known as c.5333C>T), located in coding exon 22 of the WNK2 gene, results from a C to T substitution at nucleotide position 5333. The alanine at codon 1778 is replaced by valine, an amino acid with similar properties. This amino acid position is conserved. In addition, this alteration is predicted to be tolerated by in silico analysis. Based on the available evidence, the clinical significance of this variant remains unclear.